The following is an entry in ClinVar:

NM_000540.3(RYR1):c.4535A>T (p.Asp1512Val)

Gene: RYR1 (ryanodine receptor 1; plus strand). Cytogenetic location: 19q13.2.
Variant type: single nucleotide variant.
Coding change: c.4535A>T on transcript NM_000540.3 (MANE Select); coding-DNA position 4535, A replaced by T.
Protein change: p.Asp1512Val; replaces aspartic acid 1512 with valine.
Molecular consequence: missense variant.
Genome position (GRCh38, 1-based): chr19:38,478,515, A>T. VCF-style: chr19-38478515-A-T. GRCh37 (hg19) VCF-style: chr19-38969155-A-T.
Other names: c.4535A>T, p.Asp1512Val (NM_001042723.2); short protein forms D1512V.
Identifiers: ClinVar variation 1304181 (VCV001304181.2), dbSNP rs2145506709, ClinGen allele CA405647483.
Genomic context (GRCh38, chr19:38,478,515, plus strand): 5'-ACATGGTGTGGGGCGGAGACTTTGTGAGTCCCGGGCAGCAGGGCCGGATCAGCCACACGG[A>T]CCTTGTCATTGGGTGCCTGGTGGACTTGGCCACTGGCTTAATGACCTTTACAGCCAATGG-3'
Protein context (NP_000531.2, residues 1502-1522): PGQQGRISHT[Asp1512Val]LVIGCLVDLA

ClinVar aggregate classification (germline): Uncertain significance (1 of 4 stars; one submission).

Submission:

GeneDx
Classification: Uncertain significance. Last evaluated: 2019-06-03. Review status: criteria provided, single submitter. Criteria: GeneDx Variant Classification Process June 2021. Collection method: clinical testing. Allele origin: germline. Affected: yes.
Comment: Not observed in large population cohorts (Lek et al., 2016); In silico analysis, which includes protein predictors and evolutionary conservation, supports a deleterious effect; Has not been previously published as pathogenic or benign to our knowledge